The following is an entry in ClinVar:

ClinVar aggregate classification (germline): Likely benign (0 of 4 stars; one submission).

Conditions:
HP-related disorder. Also called: HP-related condition.

Allele frequency attached by ClinVar (database versions not stated): gnomAD exomes 0.00004; gnomAD 0.00010; TOPMed 0.00011; ExAC 0.00027.
gnomAD v4.1: 104 of 1,612,030 alleles (0.0065%); highest among the groups gnomAD compares: East Asian, 0.15%; 1 homozygote.

Submission:

PreventionGenetics, part of Exact Sciences
Classification: Likely benign for HP-related condition. Last evaluated: 2019-08-15. Review status: no assertion criteria provided. Collection method: clinical testing. Allele origin: germline.
Comment: This variant is classified as likely benign based on ACMG/AMP sequence variant interpretation guidelines (Richards et al. 2015 PMID: 25741868, with internal and published modifications).

NM_005143.5(HP):c.443-5G>A

Gene: HP (haptoglobin; plus strand). Cytogenetic location: 16q22.2.
Variant type: single nucleotide variant.
Coding change: c.443-5G>A on transcript NM_005143.5 (MANE Select); 5 bases into the intron before coding-DNA position 443, G replaced by A.
Molecular consequence: intron variant.
Genome position (GRCh38, 1-based): chr16:72,060,107, G>A. VCF-style: chr16-72060107-G-A. GRCh37 (hg19) VCF-style: chr16-72094006-G-A.
Other names: c.266-5G>A (NM_001318138.2, NM_001126102.3).
Identifiers: ClinVar variation 3052875 (VCV003052875.2), dbSNP rs373148115, ClinGen allele CA8159113.
Genomic context (GRCh38, chr16:72,060,107, plus strand): 5'-CCCCTTTCTCAGATGGAAAGGCTCTTGCACATTTCCACTCACGAGTGTCTTGCTCTCCTT[G>A]ACAGTATGTGGGAAGCCCAAGAATCCGGCAAACCCAGTGCAGCGGATCCTGGGTGGACAC-3'